The following is an entry in ClinVar:

NM_001184880.2(PCDH19):c.2213A>T (p.His738Leu)

Gene: PCDH19 (protocadherin 19; minus strand). Cytogenetic location: Xq22.1.
Variant type: single nucleotide variant.
Coding change: c.2213A>T on transcript NM_001184880.2 (MANE Select); coding-DNA position 2213, A replaced by T.
Protein change: p.His738Leu; replaces histidine 738 with leucine.
Molecular consequence: missense variant. On other transcripts: intron variant (2).
Genome position (GRCh38, 1-based): chrX:100,403,599, T>A on the plus strand (A>T on the coding strand, the complement: PCDH19 is on the minus strand). VCF-style: chrX-100403599-T-A. GRCh37 (hg19) VCF-style: chrX-99658597-T-A.
Other names: c.2213A>T (NM_001184880.1); c.2148-748A>T (NM_020766.3, NM_001105243.2); short protein forms H738L.
Identifiers: ClinVar variation 2136108 (VCV002136108.4), dbSNP rs1476959307, ClinGen allele CA414007056.

ClinVar aggregate classification (germline): Uncertain significance. Review status: criteria provided, multiple submitters, no conflicts (2 of 4 stars). 2 submissions from 2 submitters: Uncertain significance (2). Last evaluated 2025-06-01.

Conditions:
Developmental and epileptic encephalopathy, 9 (DEE9). Also called: Early infantile epileptic encephalopathy 9; JUBERG-HELLMAN SYNDROME; EPILEPSY, FEMALE-RESTRICTED, WITH MENTAL RETARDATION; PCDH19-Related X-Linked Female-Limited Epilepsy with Mental Retardation. Identifiers: Orphanet 101039, Orphanet 2076, MedGen C1848137, MONDO:0010246, OMIM 300088. Disease mechanism: loss of function.

Allele frequency attached by ClinVar (database versions not stated): gnomAD exomes 0.00001; TOPMed 0.00001.
gnomAD v4.1: 5 of 1,206,098 alleles (0.00041%); highest among the groups gnomAD compares: Non-Finnish European, 0.00056%; no homozygotes.

Submissions (2):

Labcorp Genetics (formerly Invitae), Labcorp
Classification: Uncertain significance for Developmental and epileptic encephalopathy, 9. Last evaluated: 2025-06-01. Review status: criteria provided, single submitter. Criteria: Invitae Variant Classification Sherloc (09022015). Collection method: clinical testing. Allele origin: germline.
Comment: This sequence change replaces histidine, which is basic and polar, with leucine, which is neutral and non-polar, at codon 738 of the PCDH19 protein (p.His738Leu). This variant is not present in population databases (gnomAD no frequency). This variant has not been reported in the literature in individuals affected with PCDH19-related conditions. ClinVar contains an entry for this variant (Variation ID: 2136108). Invitae Evidence Modeling of protein sequence and biophysical properties (such as structural, functional, and spatial information, amino acid conservation, physicochemical variation, residue mobility, and thermodynamic stability) indicates that this missense variant is not expected to disrupt PCDH19 protein function with a negative predictive value of 95%. In summary, the available evidence is currently insufficient to determine the role of this variant in disease. Therefore, it has been classified as a Variant of Uncertain Significance.

GeneDx
Classification: Uncertain significance. Last evaluated: 2022-07-20. Review status: criteria provided, single submitter. Criteria: GeneDx Variant Classification Process June 2021. Collection method: clinical testing. Allele origin: germline. Affected: yes.
Comment: Not observed at significant frequency in large population cohorts (gnomAD); Missense variants in this gene are often considered pathogenic (HGMD); In silico analysis supports that this missense variant does not alter protein structure/function; Has not been previously published as pathogenic or benign to our knowledge